The following is an entry in ClinVar:

NM_024649.5(BBS1):c.1418C>T (p.Ser473Phe)

Genes: BBS1 (Bardet-Biedl syndrome 1; plus strand), ZDHHC24 (zDHHC palmitoyltransferase 24; minus strand). Cytogenetic location: 11q13.2.
Variant type: single nucleotide variant.
Coding change: c.1418C>T on transcript NM_024649.5 (MANE Select); coding-DNA position 1418, C replaced by T.
Protein change: p.Ser473Phe; replaces serine 473 with phenylalanine.
Molecular consequence: missense variant. On other transcripts: intron variant (1).
Genome position (GRCh38, 1-based): chr11:66,529,897, C>T. VCF-style: chr11-66529897-C-T. GRCh37 (hg19) VCF-style: chr11-66297368-C-T.
Other names: c.560-409G>A (NM_001348571.2); short protein forms S473F.
Identifiers: ClinVar variation 4998024 (VCV004998024.1).
Genomic context (GRCh38, chr11:66,529,897, plus strand): 5'-AGACAGACCTATACCTGCTGCGCCTACGTGCTGCCCGCGCCTACCTGCAGGCCCTCGAGT[C>T]CAGCCTGAGCCCCCTGTCCACGACAGCCCGAGAGCCACTCAAGCTGCACGCCGTGGTGAG-3'
Protein context (NP_078925.3, residues 463-483): AARAYLQALE[Ser473Phe]SLSPLSTTAR

ClinVar aggregate classification (germline): Uncertain significance (1 of 4 stars; one submission).

Conditions:
BBS1-related disorder. Also called: BBS1-related condition.

gnomAD v4.1: 2 of 1,607,698 alleles (0.00012%); highest among the groups gnomAD compares: Admixed American, 0.0017%; no homozygotes.

Submission:

PreventionGenetics, part of Exact Sciences
Classification: Uncertain significance for BBS1-related condition. Last evaluated: 2025-06-23. Review status: criteria provided, single submitter. Criteria: ACMG Guidelines, 2015. Collection method: clinical testing. Allele origin: germline.
Comment: The BBS1 c.1418C>T variant is predicted to result in the amino acid substitution p.Ser473Phe. To our knowledge, this variant has not been reported in the literature. This variant is reported in 0.011% of alleles in individuals of African descent in gnomAD. At this time, the clinical significance of this variant is uncertain due to the absence of conclusive functional and genetic evidence.